The following is an entry in ClinVar:

NM_000528.4(MAN2B1):c.1863G>T (p.Gly621=)

Gene: MAN2B1 (mannosidase alpha class 2B member 1; minus strand). Cytogenetic location: 19p13.13.
Variant type: single nucleotide variant.
Coding change: c.1863G>T on transcript NM_000528.4 (MANE Select); coding-DNA position 1863, G replaced by T.
Protein change: p.Gly621=; no amino-acid change (glycine 621 retained).
Molecular consequence: synonymous variant.
Genome position (GRCh38, 1-based): chr19:12,652,428, C>A on the plus strand (G>T on the coding strand, the complement: MAN2B1 is on the minus strand). VCF-style: chr19-12652428-C-A. GRCh37 (hg19) VCF-style: chr19-12763242-C-A.
Other names: c.1860G>T, p.Gly620= (NM_001173498.2).
Identifiers: ClinVar variation 1449655 (VCV001449655.7), dbSNP rs2145240167, ClinGen allele CA505624630.

ClinVar aggregate classification (germline): Uncertain significance (1 of 4 stars; one submission).

Conditions:
Deficiency of alpha-mannosidase (MANSA). Also called: LYSOSOMAL ALPHA-D-MANNOSIDASE DEFICIENCY; Mannosidosis, alpha-, types I and II; Alpha-Mannosidosis. Identifiers: Orphanet 61, MedGen C0024748, MONDO:0009561, OMIM 248500.

Submission:

Labcorp Genetics (formerly Invitae), Labcorp
Classification: Uncertain significance for Deficiency of alpha-mannosidase. Last evaluated: 2023-12-11. Review status: criteria provided, single submitter. Criteria: Invitae Variant Classification Sherloc (09022015). Collection method: clinical testing. Allele origin: germline.
Comment: This sequence change affects codon 621 of the MAN2B1 mRNA. It is a 'silent' change, meaning that it does not change the encoded amino acid sequence of the MAN2B1 protein. This variant is not present in population databases (gnomAD no frequency). This variant has not been reported in the literature in individuals affected with MAN2B1-related conditions. ClinVar contains an entry for this variant (Variation ID: 1449655). Algorithms developed to predict the effect of sequence changes on RNA splicing suggest that this variant may create or strengthen a splice site. In summary, the available evidence is currently insufficient to determine the role of this variant in disease. Therefore, it has been classified as a Variant of Uncertain Significance.